The following is an entry in ClinVar:

ClinVar aggregate classification (germline): Uncertain significance (1 of 4 stars; one submission).

Submission:

Women's Health and Genetics/Laboratory Corporation of America, LabCorp
Classification: Uncertain significance. Last evaluated: 2025-03-28. Review status: criteria provided, single submitter. Criteria: LabCorp Variant Classification Summary - May 2015. Collection method: clinical testing. Allele origin: germline.
Comment: Variant summary: PLOD1 c.169G>A (p.Ala57Thr) results in a non-conservative amino acid change in the encoded protein sequence. Three of five in-silico tools predict a benign effect of the variant on protein function. Several computational tools predict a significant impact on normal splicing: Three predict the variant weakens a 3' acceptor site. One predict the variant weakens a cryptic 3' acceptor site. One predict the variant no significant impact on splicing. However, these predictions have yet to be confirmed by functional studies. The variant was absent in 251226 control chromosomes. The available data on variant occurrences in the general population are insufficient to allow any conclusion about variant significance. To our knowledge, no occurrence of c.169G>A in individuals affected with Ehlers-Danlos syndrome, kyphoscoliotic type 1 and no experimental evidence demonstrating its impact on protein function have been reported. No submitters have cited clinical-significance assessments for this variant to ClinVar. Based on the evidence outlined above, the variant was classified as uncertain significance.

NM_000302.4(PLOD1):c.169G>A (p.Ala57Thr)

Gene: PLOD1 (procollagen-lysine,2-oxoglutarate 5-dioxygenase 1; plus strand). Cytogenetic location: 1p36.22.
Variant type: single nucleotide variant.
Coding change: c.169G>A on transcript NM_000302.4 (MANE Select); coding-DNA position 169, G replaced by A.
Protein change: p.Ala57Thr; replaces alanine 57 with threonine.
Molecular consequence: missense variant.
Genome position (GRCh38, 1-based): chr1:11,949,773, G>A. VCF-style: chr1-11949773-G-A. GRCh37 (hg19) VCF-style: chr1-12009830-G-A.
Other names: c.310G>A, p.Ala104Thr (NM_001316320.2); short protein forms A104T, A57T.
Identifiers: ClinVar variation 3895744 (VCV003895744.1).